The following is an entry in ClinVar:

ClinVar aggregate classification (germline): Uncertain significance (1 of 4 stars; one submission).

Conditions:
SCAF4-related disorder. Also called: SCAF4-related condition.

gnomAD v4.1: 1 of 1,606,566 alleles (0.000062%); highest among the groups gnomAD compares: East Asian, 0.0022%; no homozygotes.

Submission:

PreventionGenetics, part of Exact Sciences
Classification: Uncertain significance for SCAF4-related condition. Last evaluated: 2025-06-04. Review status: criteria provided, single submitter. Criteria: ACMG Guidelines, 2015. Collection method: clinical testing. Allele origin: germline.
Comment: The SCAF4 c.2641A>G variant is predicted to result in the amino acid substitution p.Met881Val. To our knowledge, this variant has not been reported in the literature. This variant is reported in 0.0055% of alleles in individuals of East Asian descent in gnomAD. At this time, the clinical significance of this variant is uncertain due to the absence of conclusive functional and genetic evidence.

NM_020706.2(SCAF4):c.2641A>G (p.Met881Val)

Gene: SCAF4 (SR-related CTD associated factor 4; minus strand). Cytogenetic location: 21q22.11.
Variant type: single nucleotide variant.
Coding change: c.2641A>G on transcript NM_020706.2 (MANE Select); coding-DNA position 2641, A replaced by G.
Protein change: p.Met881Val; replaces methionine 881 with valine.
Molecular consequence: missense variant.
Genome position (GRCh38, 1-based): chr21:31,672,202, T>C on the plus strand (A>G on the coding strand, the complement: SCAF4 is on the minus strand). VCF-style: chr21-31672202-T-C. GRCh37 (hg19) VCF-style: chr21-33044515-T-C.
Other names: c.2596A>G, p.Met866Val (NM_001145444.1); c.2575A>G, p.Met859Val (NM_001145445.1); short protein forms M881V, M859V, M866V.
Identifiers: ClinVar variation 4997948 (VCV004997948.1).